The following is an entry in ClinVar:

NM_004380.3(CREBBP):c.3779+9C>T

Gene: CREBBP (CREB binding lysine acetyltransferase; minus strand). Cytogenetic location: 16p13.3.
Variant type: single nucleotide variant.
Coding change: c.3779+9C>T on transcript NM_004380.3 (MANE Select); 9 bases into the intron after coding-DNA position 3779, C replaced by T.
Molecular consequence: intron variant.
Genome position (GRCh38, 1-based): chr16:3,751,717, G>A on the plus strand (C>T on the coding strand, the complement: CREBBP is on the minus strand). VCF-style: chr16-3751717-G-A. GRCh37 (hg19) VCF-style: chr16-3801718-G-A.
Other names: c.3665+9C>T (NM_001079846.1).
Identifiers: ClinVar variation 3046576 (VCV003046576.2), dbSNP rs776466650, ClinGen allele CA276992654.

ClinVar aggregate classification (germline): Likely benign (0 of 4 stars; one submission).

Conditions:
CREBBP-related disorder. Also called: CREBBP-related disorders; CREBBP-related condition.

Allele frequency attached by ClinVar (database versions not stated): gnomAD 0.00001; gnomAD exomes 0.00001; TOPMed 0.00001.

Submission:

PreventionGenetics, part of Exact Sciences
Classification: Likely benign for CREBBP-related condition. Last evaluated: 2022-04-11. Review status: no assertion criteria provided. Collection method: clinical testing. Allele origin: germline.
Comment: This variant is classified as likely benign based on ACMG/AMP sequence variant interpretation guidelines (Richards et al. 2015 PMID: 25741868, with internal and published modifications).